The following is an entry in ClinVar:

NM_001905.4(CTPS1):c.1294G>A (p.Val432Met)

Gene: CTPS1 (CTP synthase 1; plus strand). Cytogenetic location: 1p34.2.
Variant type: single nucleotide variant.
Coding change: c.1294G>A on transcript NM_001905.4 (MANE Select); coding-DNA position 1294, G replaced by A.
Protein change: p.Val432Met; replaces valine 432 with methionine.
Molecular consequence: missense variant. On other transcripts: non-coding transcript variant (1).
Genome position (GRCh38, 1-based): chr1:41,006,092, G>A. VCF-style: chr1-41006092-G-A. GRCh37 (hg19) VCF-style: chr1-41471764-G-A.
Other names: c.826G>A, p.Val276Met (NM_001301237.2); short protein forms V276M, V432M.
Identifiers: ClinVar variation 937255 (VCV000937255.7), dbSNP rs373379651, ClinGen allele CA795495.

ClinVar aggregate classification (germline): Uncertain significance (1 of 4 stars; one submission).

Conditions:
Combined immunodeficiency due to CTPS1 deficiency. Also called: Severe combined immunodeficiency due to CTPS1 deficiency; Immunodeficiency 24. Identifiers: Orphanet 420573, MedGen C4014617, MONDO:0014391, OMIM 615897.

Allele frequency attached by ClinVar (database versions not stated): gnomAD exomes 0.00002; ESP Exome Variant Server 0.00008; ExAC 0.00001; TOPMed 0.00001.
gnomAD v4.1: 8 of 1,613,162 alleles (0.0005%); highest among the groups gnomAD compares: Non-Finnish European, 0.00051%; no homozygotes.

Submission:

Labcorp Genetics (formerly Invitae), Labcorp
Classification: Uncertain significance for Combined immunodeficiency due to CTPS1 deficiency. Last evaluated: 2022-07-25. Review status: criteria provided, single submitter. Criteria: Invitae Variant Classification Sherloc (09022015). Collection method: clinical testing. Allele origin: germline.
Comment: In summary, the available evidence is currently insufficient to determine the role of this variant in disease. Therefore, it has been classified as a Variant of Uncertain Significance. Algorithms developed to predict the effect of missense changes on protein structure and function are either unavailable or do not agree on the potential impact of this missense change (SIFT: "Deleterious"; PolyPhen-2: "Possibly Damaging"; Align-GVGD: "Class C0"). ClinVar contains an entry for this variant (Variation ID: 937255). This variant has not been reported in the literature in individuals affected with CTPS1-related conditions. This variant is present in population databases (rs373379651, gnomAD 0.003%). This sequence change replaces valine, which is neutral and non-polar, with methionine, which is neutral and non-polar, at codon 432 of the CTPS1 protein (p.Val432Met).